The following is an entry in ClinVar:

NM_003060.4(SLC22A5):c.613A>C (p.Met205Leu)

Gene: SLC22A5 (solute carrier family 22 member 5; plus strand). Cytogenetic location: 5q31.1.
Variant type: single nucleotide variant.
Coding change: c.613A>C on transcript NM_003060.4 (MANE Select); coding-DNA position 613, A replaced by C.
Protein change: p.Met205Leu; replaces methionine 205 with leucine.
Molecular consequence: missense variant.
Genome position (GRCh38, 1-based): chr5:132,384,262, A>C. VCF-style: chr5-132384262-A-C. GRCh37 (hg19) VCF-style: chr5-131719954-A-C.
Other names: p.Met205Leu; c.685A>C, p.Met229Leu (NM_001308122.2); short protein forms M205L, M229L.
Identifiers: ClinVar variation 1005556 (VCV001005556.13), dbSNP rs1322301830, ClinGen allele CA360804845.

ClinVar aggregate classification (germline): Uncertain significance. Review status: criteria provided, multiple submitters, no conflicts (2 of 4 stars). 3 submissions from 3 submitters: Uncertain significance (2). 1 of the submissions does not count toward it. Last evaluated 2023-09-11.

Conditions:
Decreased circulating carnitine concentration. Also called: Decreased plasma carnitine. Identifiers: MedGen C5848230, HP:0003234.
Renal carnitine transport defect (CDSP). Also called: Primary carnitine deficiency; Systemic primary carnitine deficiency; CARNITINE DEFICIENCY, SYSTEMIC, DUE TO DEFECT IN RENAL REABSORPTION OF CARNITINE; CARNITINE TRANSPORTER, PLASMA-MEMBRANE, DEFICIENCY OF; CARNITINE UPTAKE DEFECT; Systemic primary carnitine deficiency disease. Identifiers: Orphanet 158, MedGen C0342788, MONDO:0008919, OMIM 212140.

Allele frequency attached by ClinVar (database versions not stated): gnomAD 0.00001; TOPMed 0.00002.
gnomAD v4.1: 2 of 1,614,126 alleles (0.00012%); highest among the groups gnomAD compares: African/African-American, 0.0027%; no homozygotes.

Submissions (3):

Labcorp Genetics (formerly Invitae), Labcorp
Classification: Uncertain significance for Renal carnitine transport defect. Last evaluated: 2023-09-11. Review status: criteria provided, single submitter. Criteria: Invitae Variant Classification Sherloc (09022015). Collection method: clinical testing. Allele origin: germline.
Comment: In summary, the available evidence is currently insufficient to determine the role of this variant in disease. Therefore, it has been classified as a Variant of Uncertain Significance. Advanced modeling of protein sequence and biophysical properties (such as structural, functional, and spatial information, amino acid conservation, physicochemical variation, residue mobility, and thermodynamic stability) performed at Invitae indicates that this missense variant is not expected to disrupt SLC22A5 protein function. ClinVar contains an entry for this variant (Variation ID: 1005556). This variant has not been reported in the literature in individuals affected with SLC22A5-related conditions. This variant is present in population databases (no rsID available, gnomAD 0.01%). This sequence change replaces methionine, which is neutral and non-polar, with leucine, which is neutral and non-polar, at codon 205 of the SLC22A5 protein (p.Met205Leu).

Giacomini Lab, University of California, San Francisco
Classification: Uncertain significance for Renal carnitine transport defect. Last evaluated: 2022-10-03. Review status: criteria provided, single submitter. Criteria: ACMG Guidelines, 2015. Collection method: research, in vitro. Allele origin: germline, not applicable.

Natera, Inc.
Classification: Uncertain significance for Carnitine deficiency. Last evaluated: 2021-06-08. Review status: no assertion criteria provided. Collection method: clinical testing. Allele origin: germline. Not counted in ClinVar's aggregate classification.